The following is an entry in ClinVar:

ClinVar aggregate classification (germline): Uncertain significance (1 of 4 stars; one submission).

Conditions:
Melanoma, cutaneous malignant, susceptibility to, 5. Also called: Cutaneous malignant melanoma 5. Identifiers: Orphanet 618, MedGen C2751295, MONDO:0013133, OMIM 613099.

Submission:

Labcorp Genetics (formerly Invitae), Labcorp
Classification: Uncertain significance for Melanoma, cutaneous malignant, susceptibility to, 5. Last evaluated: 2024-05-21. Review status: criteria provided, single submitter. Criteria: Invitae Variant Classification Sherloc (09022015). Collection method: clinical testing. Allele origin: germline.
Comment: This sequence change replaces serine, which is neutral and polar, with cysteine, which is neutral and slightly polar, at codon 16 of the MC1R protein (p.Ser16Cys). This variant is not present in population databases (gnomAD no frequency). This variant has not been reported in the literature in individuals affected with MC1R-related conditions. Advanced modeling of protein sequence and biophysical properties (such as structural, functional, and spatial information, amino acid conservation, physicochemical variation, residue mobility, and thermodynamic stability) performed at Invitae indicates that this missense variant is not expected to disrupt MC1R protein function with a negative predictive value of 95%. In summary, the available evidence is currently insufficient to determine the role of this variant in disease. Therefore, it has been classified as a Variant of Uncertain Significance.

NM_002386.4(MC1R):c.47C>G (p.Ser16Cys)

Gene: MC1R (melanocortin 1 receptor; plus strand). Cytogenetic location: 16q24.3.
Variant type: single nucleotide variant.
Coding change: c.47C>G on transcript NM_002386.4 (MANE Select); coding-DNA position 47, C replaced by G.
Protein change: p.Ser16Cys; replaces serine 16 with cysteine.
Molecular consequence: missense variant.
Genome position (GRCh38, 1-based): chr16:89,919,305, C>G. VCF-style: chr16-89919305-C-G. GRCh37 (hg19) VCF-style: chr16-89985713-C-G.
Other names: short protein forms S16C.
Identifiers: ClinVar variation 3716374 (VCV003716374.2).
Genomic context (GRCh38, chr16:89,919,305, plus strand): 5'-TCCTGGACAGGACTATGGCTGTGCAGGGATCCCAGAGAAGACTTCTGGGCTCCCTCAACT[C>G]CACCCCCACAGCCATCCCCCAGCTGGGGCTGGCTGCCAACCAGACAGGAGCCCGGTGCCT-3'
Protein context (NP_002377.4, residues 6-26): SQRRLLGSLN[Ser16Cys]TPTAIPQLGL